The following is an entry in ClinVar:

NM_000553.6(WRN):c.461A>T (p.Lys154Ile)

Gene: WRN (WRN RecQ like helicase; plus strand). Cytogenetic location: 8p12.
Variant type: single nucleotide variant.
Coding change: c.461A>T on transcript NM_000553.6 (MANE Select); coding-DNA position 461, A replaced by T.
Protein change: p.Lys154Ile; replaces lysine 154 with isoleucine.
Molecular consequence: missense variant.
Genome position (GRCh38, 1-based): chr8:31,065,020, A>T. VCF-style: chr8-31065020-A-T. GRCh37 (hg19) VCF-style: chr8-30922536-A-T.
Other names: short protein forms K154I.
Identifiers: ClinVar variation 1491438 (VCV001491438.6), dbSNP rs2130037105, ClinGen allele CA370914939.

ClinVar aggregate classification (germline): Uncertain significance (1 of 4 stars; one submission).

Conditions:
Werner syndrome (WRN). Identifiers: Orphanet 902, MedGen C0043119, MONDO:0010196, OMIM 277700.

Submission:

Labcorp Genetics (formerly Invitae), Labcorp
Classification: Uncertain significance for Werner syndrome. Last evaluated: 2021-09-15. Review status: criteria provided, single submitter. Criteria: Invitae Variant Classification Sherloc (09022015). Collection method: clinical testing. Allele origin: germline.
Comment: In summary, the available evidence is currently insufficient to determine the role of this variant in disease. Therefore, it has been classified as a Variant of Uncertain Significance. Algorithms developed to predict the effect of missense changes on protein structure and function are either unavailable or do not agree on the potential impact of this missense change (SIFT: "Not Available"; PolyPhen-2: "Probably Damaging"; Align-GVGD: "Not Available"). This variant has not been reported in the literature in individuals affected with WRN-related conditions. This variant is not present in population databases (ExAC no frequency). This sequence change replaces lysine with isoleucine at codon 154 of the WRN protein (p.Lys154Ile). The lysine residue is moderately conserved and there is a moderate physicochemical difference between lysine and isoleucine.